The following is an entry in ClinVar:

NM_000038.6(APC):c.3077A>C (p.Asn1026Thr)

Gene: APC (APC regulator of Wnt signaling pathway; plus strand). Cytogenetic location: 5q22.2.
Variant type: single nucleotide variant.
Coding change: c.3077A>C on transcript NM_000038.6 (MANE Select); coding-DNA position 3077, A replaced by C.
Protein change: p.Asn1026Thr; replaces asparagine 1026 with threonine.
Molecular consequence: missense variant.
Genome position (GRCh38, 1-based): chr5:112,838,671, A>C. VCF-style: chr5-112838671-A-C. GRCh37 (hg19) VCF-style: chr5-112174368-A-C.
Other names: NM_000038.6(APC):c.3077A>C; c.3077A>C, p.Asn1026Thr (NM_001127510.3, NM_001354895.2); c.3023A>C, p.Asn1008Thr (NM_001127511.3); c.3131A>C, p.Asn1044Thr (NM_001354896.2); c.3107A>C, p.Asn1036Thr (NM_001354897.2); c.3002A>C, p.Asn1001Thr (NM_001354898.2); c.2993A>C, p.Asn998Thr (NM_001354899.2); c.2954A>C, p.Asn985Thr (NM_001354900.2); and 6 more; short protein forms N1008T, N1026T, N743T, N900T, N998T, N1001T, N1044T, N866T.
Identifiers: ClinVar variation 428167 (VCV000428167.13), dbSNP rs1114167603, ClinGen allele CA16028070.

ClinVar aggregate classification (germline): Uncertain significance. Review status: reviewed by expert panel (3 of 4 stars). 5 submissions from 5 submitters: Uncertain significance (1). 4 of the submissions do not count toward it. Last evaluated 2023-02-25.

Conditions:
Hereditary cancer-predisposing syndrome. Also called: Hereditary neoplastic syndrome; Hereditary Cancer Syndrome; Tumor predisposition; Neoplastic Syndromes, Hereditary. Identifiers: Orphanet 140162, MedGen C0027672, MeSH D009386, MONDO:0015356.
Familial adenomatous polyposis 1 (FAP1). Also called: FAMILIAL ADENOMATOUS POLYPOSIS 1, ATTENUATED; POLYPOSIS, ADENOMATOUS INTESTINAL. Identifiers: MedGen C2713442, MONDO:0021056, OMIM 175100. Disease mechanism: loss of function.
Carcinoma of colon (CRC). Also called: Colon carcinoma; Colonic carcinoma. Identifiers: MedGen C0699790, MONDO:0002032.

Submissions (5):

ClinGen InSiGHT Hereditary Colorectal Cancer/Polyposis Variant Curation Expert Panel
Classification: Uncertain significance for Familial adenomatous polyposis 1. Last evaluated: 2023-02-25. Review status: reviewed by expert panel. Criteria: ClinGen InSiGHT HCCP VCEP ACMG Specifications APC V1. Collection method: curation. Allele origin: germline. Inheritance: Autosomal dominant inheritance.
Comment: The c.3077A>C variant in APC is a missense variant predicted to cause the substitution of asparagine by threonine at amino acid position 1026 (p.Asn1026Thr). This variant has been reported in 3 probands with FAP worth 1.5 phenotype points (PS4_Supporting; Ambry Internal Data). This variant is absent from gnomAD v2.1.1 (PM2_Supporting). Another missense variant, c.3077A>G (p.Asn1026Ser) in the same codon has been classified as Likely Pathogenic for FAP by the ClinGen InSiGHT Hereditary Colorectal Cancer/Polyposis Variant Curation Expert Panel (HCCP VCEP) (PM5_Supporting; PMID 18166348). In summary, due to insufficient evidence, this variant is a Variant of Uncertain Significance for FAP based on the ACMG/AMP criteria applied, as specified by the HCCP VCEP: PS4_Supporting, PM2_Supporting, and PM5_Supporting (VCEP specifications version 1; date of approval: 12/12/2022).

Ambry Genetics
Classification: Likely pathogenic for Hereditary cancer-predisposing syndrome. Last evaluated: 2025-05-29. Review status: criteria provided, single submitter. Criteria: Ambry Variant Classification Scheme 2023. Collection method: clinical testing. Allele origin: germline. Not counted in ClinVar's aggregate classification.
Comment: The p.N1026T variant (also known as c.3077A>C), located in coding exon 15 of the APC gene, results from an A to C substitution at nucleotide position 3077. The asparagine at codon 1026 is replaced by threonine, an amino acid with similar properties. This variant was reported in individual(s) with features consistent with APC-related familial adenomatous polyposis (Ambry internal data). Other variant(s) at the same codon, p.N1026S (c.3077A>G), have been identified in individual(s) with features consistent with APC-related familial adenomatous polyposis and have been shown to segregate with disease in a large Spanish attenuated FAP family and shown to be functionally deleterious (Men&eacute;ndez M et al. Gastroenterology 2008 Jan; 134(1):56-64; Ambry internal data). This variant is considered to be rare based on population cohorts in the Genome Aggregation Database (gnomAD). This amino acid position is highly conserved in available vertebrate species. In addition, in silico predictors for this gene do not accurately predict pathogenicity. Based on the majority of available evidence to date, this variant is likely to be pathogenic.

Labcorp Genetics (formerly Invitae), Labcorp
Classification: Uncertain significance for Familial adenomatous polyposis 1. Last evaluated: 2024-08-31. Review status: criteria provided, single submitter. Criteria: Invitae Variant Classification Sherloc (09022015). Collection method: clinical testing. Allele origin: germline. Not counted in ClinVar's aggregate classification.
Comment: This sequence change replaces asparagine, which is neutral and polar, with threonine, which is neutral and polar, at codon 1026 of the APC protein (p.Asn1026Thr). This variant is not present in population databases (gnomAD no frequency). This variant has not been reported in the literature in individuals affected with APC-related conditions. ClinVar contains an entry for this variant (Variation ID: 428167). Invitae Evidence Modeling of protein sequence and biophysical properties (such as structural, functional, and spatial information, amino acid conservation, physicochemical variation, residue mobility, and thermodynamic stability) indicates that this missense variant is not expected to disrupt APC protein function with a negative predictive value of 95%. This variant disrupts the p.Asn1026 amino acid residue in APC. Other variant(s) that disrupt this residue have been determined to be pathogenic (PMID: 18166348). This suggests that this residue is clinically significant, and that variants that disrupt this residue are likely to be disease-causing. In summary, the available evidence is currently insufficient to determine the role of this variant in disease. Therefore, it has been classified as a Variant of Uncertain Significance.

Department of Pathology and Laboratory Medicine, Sinai Health System
Classification: Uncertain significance for Carcinoma of colon. Review status: no assertion criteria provided. Collection method: clinical testing. Allele origin: unknown. Affected: yes. Study: The Canadian Open Genetics Repository (COGR). Not counted in ClinVar's aggregate classification.
Comment: The APC p.Asn1026Thr was not identified in the literature, dbSNP, 1000 Genomes Project, NHLBI GO Exome Sequencing Project (ESP, the Exome Aggregation Consortium (ExAC) database (released Jan 13, 2015), Clinvitae database, COSMIC, Zhejiang Colon Cancer Database (LOVD), ClinVar database, GeneInsight - COGR database, the InSiGHT Colon Cancer Gene Variant Database (LOVD) and UMD. A variant at the same loci, p.Asn1026Ser was identified in the literature and classified as pathogenic based on segregation data and in vivo studies (Menendez 2008). The p.Asn1026 residue is conserved across mammals and other organisms, and computational analyses (PolyPhen-2, SIFT, AlignGVGD, BLOSUM, MutationTaster) provide inconsistent predictions regarding the impact to the protein and this information is not very predictive of pathogenicity. The variant occurs outside of the splicing consensus sequence and in silico or computational prediction software programs (SpliceSiteFinder, MaxEntScan, NNSPLICE, GeneSplicer, HumanSpliceFinder) do not predict a difference in splicing. In summary, based on the above information, the clinical significance of this variant cannot be determined with certainty at this time. This variant is classified as a variant of uncertain significance.

Mayo Clinic Laboratories, Mayo Clinic
Classification: Uncertain significance. Review status: no assertion criteria provided. Collection method: clinical testing. Allele origin: unknown. Not counted in ClinVar's aggregate classification.

Literature cited by the submitters: PubMed 18166348 (cited by Ambry Genetics and Labcorp Genetics (formerly Invitae), Labcorp); PubMed 21859464 (cited by Ambry Genetics).